The following is an entry in ClinVar:

ClinVar aggregate classification (germline): Likely benign; other. Review status: criteria provided, multiple submitters, no conflicts (2 of 4 stars). 2 submissions from 2 submitters: Likely benign (1). Last evaluated 2018-08-06.

Allele frequency attached by ClinVar (database versions not stated): ExAC 0.00004; gnomAD exomes 0.00005; gnomAD 0.00024 and 0.00022; ESP Exome Variant Server 0.00023; TOPMed 0.00033.
gnomAD v4.1: 101 of 1,608,634 alleles (0.0063%); highest among the groups gnomAD compares: African/African-American, 0.088%; 5 homozygotes.

Submissions (2):

Eurofins Ntd Llc (ga)
Classification: other. Last evaluated: 2018-08-06. Review status: criteria provided, single submitter. Criteria: EGL ClinVar v180209 classification definitions. Collection method: clinical testing. Allele origin: germline.

GeneDx
Classification: Likely benign. Last evaluated: 2018-04-12. Review status: criteria provided, single submitter. Criteria: GeneDx Variant Classification (06012015). Collection method: clinical testing. Allele origin: germline. Affected: yes.
Comment: This variant is considered likely benign or benign based on one or more of the following criteria: it is a conservative change, it occurs at a poorly conserved position in the protein, it is predicted to be benign by multiple in silico algorithms, and/or has population frequency not consistent with disease.

NM_000106.5(CYP2D6):c.124G>A (p.Gly42Arg)

Gene: CYP2D6 (cytochrome P450 family 2 subfamily D member 6 (gene/pseudogene); minus strand). Cytogenetic location: 22q13.2.
Variant type: single nucleotide variant.
Coding change: c.124G>A on transcript NM_000106.5; coding-DNA position 124, G replaced by A.
Protein change: p.Gly42Arg; replaces glycine 42 with arginine.
Molecular consequence: missense variant (on NM_000106.6).
Genome position (GRCh38, 1-based): chr22:42,130,668, C>T on the plus strand (G>A on the coding strand, the complement: CYP2D6 is on the minus strand). VCF-style: chr22-42130668-C-T. GRCh37 (hg19) VCF-style: chr22-42526670-C-T.
Other names: c.124G>A, p.Gly42Arg (NM_000106.6, NM_001025161.3, LRG_303t1); short protein forms G42R.
Identifiers: ClinVar variation 39387 (VCV000039387.7), dbSNP rs5030862, ClinGen allele CA10265355.